The following is an entry in ClinVar:

NM_000423.3(KRT2):c.492C>T (p.Asn164=)

Gene: KRT2 (keratin 2; minus strand). Cytogenetic location: 12q13.13.
Variant type: single nucleotide variant.
Coding change: c.492C>T on transcript NM_000423.3 (MANE Select); coding-DNA position 492, C replaced by T.
Protein change: p.Asn164=; no amino-acid change (asparagine 164 retained).
Molecular consequence: synonymous variant.
Genome position (GRCh38, 1-based): chr12:52,651,651, G>A on the plus strand (C>T on the coding strand, the complement: KRT2 is on the minus strand). VCF-style: chr12-52651651-G-A. GRCh37 (hg19) VCF-style: chr12-53045435-G-A.
Identifiers: ClinVar variation 881003 (VCV000881003.7), dbSNP rs201708557, ClinGen allele CA6585829.
Genomic context (GRCh38, chr12:52,651,651, plus strand): 5'-AGTTTTGATCTGCTCACGCTCTTGGGCCTTCACATTCTGGATCTCTGGGTCAACTTTCAC[G>A]TTGAGAGGCTGCAGGAGGCTCTGGTTGACAGAGACTTCGTGGATGCCACCAGGGTATCCT-3'
Protein context (NP_000414.2, residues 154-174): SVNQSLLQPL[Asn164=]VKVDPEIQNV

ClinVar aggregate classification (germline): Benign/Likely benign. Review status: criteria provided, multiple submitters, no conflicts (2 of 4 stars). 2 submissions from 2 submitters: Benign (1); Likely benign (1). Last evaluated 2025-12-08.

Conditions:
Ichthyosis bullosa of Siemens (IBS). Also called: Superficial epidermolytic ichthyosis. Identifiers: Orphanet 455, MedGen C0432306, MONDO:0007813, OMIM 146800.

Allele frequency attached by ClinVar (database versions not stated): gnomAD below 0.00001 and 0.00001; TOPMed 0.00002; ExAC 0.00006.
gnomAD v4.1: 37 of 1,613,942 alleles (0.0023%); highest among the groups gnomAD compares: Admixed American, 0.017%; no homozygotes.

Submissions (2):

Labcorp Genetics (formerly Invitae), Labcorp
Classification: Likely benign. Last evaluated: 2025-12-08. Review status: criteria provided, single submitter. Criteria: Invitae Variant Classification Sherloc (09022015). Collection method: clinical testing. Allele origin: germline.

Illumina Laboratory Services, Illumina
Classification: Benign for Ichthyosis bullosa of Siemens. Last evaluated: 2018-01-13. Review status: criteria provided, single submitter. Criteria: ICSL Variant Classification Criteria 13 December 2019. Collection method: clinical testing. Allele origin: germline.
Comment: This variant was observed in the ICSL laboratory as part of a predisposition screen in an ostensibly healthy population. It had not been previously curated by ICSL or reported in the Human Gene Mutation Database (HGMD: prior to June 1st, 2018), and was therefore a candidate for classification through an automated scoring system. Utilizing variant allele frequency, disease prevalence and penetrance estimates, and inheritance mode, an automated score was calculated to assess if this variant is too frequent to cause the disease. Based on the score and internal cut-off values, a variant classified as benign is not then subjected to further curation. The score for this variant resulted in a classification of benign for this disease.